The following is an entry in ClinVar:

ClinVar aggregate classification (germline): Uncertain significance. Review status: criteria provided, multiple submitters, no conflicts (2 of 4 stars). 7 submissions from 7 submitters: Uncertain significance (6). 1 of the submissions does not count toward it. Last evaluated 2023-11-10.

Conditions:
Autosomal dominant nonsyndromic hearing loss 11. Identifiers: Orphanet 90635, MedGen C1832475, MONDO:0011032, OMIM 601317.
Autosomal recessive nonsyndromic hearing loss 2. Also called: DEAFNESS, AUTOSOMAL RECESSIVE 2; NEUROSENSORY NONSYNDROMIC RECESSIVE DEAFNESS 2. Identifiers: Orphanet 90636, MedGen C1838701, MONDO:0010807, OMIM 600060.
Usher syndrome type 1 (USH1). Also called: RETINITIS PIGMENTOSA AND CONGENITAL DEAFNESS. Identifiers: Orphanet 231169, Orphanet 886, MedGen C1568247, MONDO:0010168, OMIM 276900.
Usher syndrome type 1B (USH1B). Also called: Usher syndrome type IB. Identifiers: MedGen C1848638, MONDO:0700087.

Allele frequency attached by ClinVar (database versions not stated): gnomAD 0.00004; TOPMed 0.00005; gnomAD exomes 0.00006 and 0.00008; ExAC 0.00010.
gnomAD v4.1: 114 of 1,575,490 alleles (0.0072%); highest among the groups gnomAD compares: Middle Eastern, 0.017%; no homozygotes.

Submissions (7):

Blueprint Genetics
Classification: Uncertain significance. Last evaluated: 2023-11-10. Review status: criteria provided, single submitter. Criteria: ACMG Guidelines, 2015. Collection method: clinical testing. Allele origin: germline.

Labcorp Genetics (formerly Invitae), Labcorp
Classification: Uncertain significance. Last evaluated: 2022-10-24. Review status: criteria provided, single submitter. Criteria: Invitae Variant Classification Sherloc (09022015). Collection method: clinical testing. Allele origin: germline.
Comment: This sequence change replaces arginine, which is basic and polar, with glutamine, which is neutral and polar, at codon 2079 of the MYO7A protein (p.Arg2079Gln). This variant is present in population databases (rs765083332, gnomAD 0.01%). This missense change has been observed in individual(s) with deafness (PMID: 33105617). ClinVar contains an entry for this variant (Variation ID: 373321). Algorithms developed to predict the effect of missense changes on protein structure and function are either unavailable or do not agree on the potential impact of this missense change (SIFT: "Deleterious"; PolyPhen-2: "Possibly Damaging"; Align-GVGD: "Class C0"). In summary, the available evidence is currently insufficient to determine the role of this variant in disease. Therefore, it has been classified as a Variant of Uncertain Significance.

Fulgent Genetics
Classification: Uncertain significance for Usher syndrome type 1; Autosomal recessive nonsyndromic hearing loss 2; Autosomal dominant nonsyndromic hearing loss 11. Last evaluated: 2022-03-01. Review status: criteria provided, single submitter. Criteria: ACMG Guidelines, 2015. Collection method: clinical testing. Allele origin: unknown.

Genome-Nilou Lab
Classification: Uncertain significance for Usher syndrome type 1. Last evaluated: 2021-07-14. Review status: criteria provided, single submitter. Criteria: ACMG Guidelines, 2015. Collection method: clinical testing. Allele origin: germline. Affected: no.

Pars Genome Lab
Classification: Uncertain significance for Usher syndrome type 1. Last evaluated: 2021-05-18. Review status: criteria provided, single submitter. Criteria: ACMG Guidelines, 2015. Collection method: clinical testing. Allele origin: germline. Affected: no.

GeneDx
Classification: Uncertain significance. Last evaluated: 2016-11-29. Review status: criteria provided, single submitter. Criteria: GeneDx Variant Classification (06012015). Collection method: clinical testing. Allele origin: germline. Affected: yes.
Comment: The R2079Q variant in the MYO7A gene has not been reported previously as a pathogenic variant, nor as a benign variant, to our knowledge. The R2079Q variant was not observed in approximately 6100 individuals of European and African American ancestry in the NHLBI Exome Sequencing Project, indicating it is not a common benign variant in these populations. The R2079Q variant is a semi-conservative amino acid substitution, which may impact secondary protein structure as these residues differ in some properties. This substitution occurs at a position that is conserved across species. In silico analysis predicts this variant is probably damaging to the protein structure/function. We interpret R2079Q as a variant of uncertain significance.

Natera, Inc.
Classification: Uncertain significance for Usher syndrome type 1B. Last evaluated: 2019-11-11. Review status: no assertion criteria provided. Collection method: clinical testing. Allele origin: germline. Not counted in ClinVar's aggregate classification.

Literature cited by the submitters: PubMed 33105617 (cited by Labcorp Genetics (formerly Invitae), Labcorp).

NM_000260.4(MYO7A):c.6236G>A (p.Arg2079Gln)

Gene: MYO7A (myosin VIIA; plus strand). Cytogenetic location: 11q13.5.
Variant type: single nucleotide variant.
Coding change: c.6236G>A on transcript NM_000260.4 (MANE Select); coding-DNA position 6236, G replaced by A.
Protein change: p.Arg2079Gln; replaces arginine 2079 with glutamine.
Molecular consequence: missense variant.
Genome position (GRCh38, 1-based): chr11:77,211,336, G>A. VCF-style: chr11-77211336-G-A. GRCh37 (hg19) VCF-style: chr11-76922381-G-A.
Other names: c.6122G>A, p.Arg2041Gln (NM_001127180.2); c.6089G>A, p.Arg2030Gln (NM_001369365.1); short protein forms R2079Q, R2030Q, R2041Q.
Identifiers: ClinVar variation 373321 (VCV000373321.10), dbSNP rs765083332, ClinGen allele CA6198957.
Genomic context (GRCh38, chr11:77,211,336, plus strand): 5'-TGCTGCGGGAGCTGGTGCCCCAGGACCTTATCCGGCAGGTCTCACCTGATGACTGGAAGC[G>A]GGTGAGCATGGGGTGGGCATCGGGAATGGTGGGGCCCTGAATGGGCCTCGGGGCACCCCA-3'
Protein context (NP_000251.3, residues 2069-2089): IRQVSPDDWK[Arg2079Gln]SIVAYFNKHA